The following is an entry in ClinVar:

ClinVar aggregate classification (germline): Likely benign (0 of 4 stars; one submission).

Conditions:
ADCY3-related disorder. Also called: ADCY3-related condition.

gnomAD v4.1: 7 of 1,613,664 alleles (0.00043%); highest among the groups gnomAD compares: Admixed American, 0.0033%; no homozygotes.

Submission:

PreventionGenetics, part of Exact Sciences
Classification: Likely benign for ADCY3-related condition. Last evaluated: 2021-10-23. Review status: no assertion criteria provided. Collection method: clinical testing. Allele origin: germline.
Comment: This variant is classified as likely benign based on ACMG/AMP sequence variant interpretation guidelines (Richards et al. 2015 PMID: 25741868, with internal and published modifications).

NM_004036.5(ADCY3):c.2578-8G>A

Gene: ADCY3 (adenylate cyclase 3; minus strand). Cytogenetic location: 2p23.3.
Variant type: single nucleotide variant.
Coding change: c.2578-8G>A on transcript NM_004036.5 (MANE Select); 8 bases into the intron before coding-DNA position 2578, G replaced by A.
Molecular consequence: intron variant.
Genome position (GRCh38, 1-based): chr2:24,824,544, C>T on the plus strand (G>A on the coding strand, the complement: ADCY3 is on the minus strand). VCF-style: chr2-24824544-C-T. GRCh37 (hg19) VCF-style: chr2-25047413-C-T.
Other names: c.2173-8G>A (NM_001377130.1); c.2440-8G>A (NM_001377129.1); c.2581-8G>A (NM_001320613.2); c.2644-8G>A (NM_001377128.1); c.2578-8G>A (NM_001377132.1); c.1855-8G>A (NM_001377131.1).
Identifiers: ClinVar variation 3354951 (VCV003354951.1).